The following is an entry in ClinVar:

NM_001379500.1(COL18A1):c.2752G>A (p.Ala918Thr)

Genes: COL18A1 (collagen type XVIII alpha 1 chain; plus strand), SLC19A1 (solute carrier family 19 member 1; minus strand). Cytogenetic location: 21q22.3.
Variant type: single nucleotide variant.
Coding change: c.2752G>A on transcript NM_001379500.1 (MANE Select); coding-DNA position 2752, G replaced by A.
Protein change: p.Ala918Thr; replaces alanine 918 with threonine.
Molecular consequence: missense variant.
Genome position (GRCh38, 1-based): chr21:45,504,440, G>A. VCF-style: chr21-45504440-G-A. GRCh37 (hg19) VCF-style: chr21-46924354-G-A.
Other names: c.3292G>A, p.Ala1098Thr (NM_030582.4); c.3997G>A, p.Ala1333Thr (NM_130444.3); short protein forms A1333T, A918T, A1098T.
Identifiers: ClinVar variation 1437175 (VCV001437175.7), dbSNP rs748442048, ClinGen allele CA10067446.

ClinVar aggregate classification (germline): Uncertain significance (1 of 4 stars; one submission).

gnomAD v4.1: 10 of 1,611,880 alleles (0.00062%); highest among the groups gnomAD compares: South Asian, 0.0099%; no homozygotes.

Submission:

Labcorp Genetics (formerly Invitae), Labcorp
Classification: Uncertain significance. Last evaluated: 2023-07-10. Review status: criteria provided, single submitter. Criteria: Invitae Variant Classification Sherloc (09022015). Collection method: clinical testing. Allele origin: germline.
Comment: This sequence change replaces alanine, which is neutral and non-polar, with threonine, which is neutral and polar, at codon 918 of the COL18A1 protein (p.Ala918Thr). This variant is present in population databases (rs748442048, gnomAD 0.01%). This variant has not been reported in the literature in individuals affected with COL18A1-related conditions. ClinVar contains an entry for this variant (Variation ID: 1437175). Experimental studies and prediction algorithms are not available or were not evaluated, and the functional significance of this variant is currently unknown. In summary, the available evidence is currently insufficient to determine the role of this variant in disease. Therefore, it has been classified as a Variant of Uncertain Significance.